The following is an entry in ClinVar:

ClinVar aggregate classification (germline): Likely benign. Review status: criteria provided, single submitter (1 of 4 stars). 2 submissions from 2 submitters: Likely benign (1). 1 of the submissions does not count toward it. Last evaluated 2024-11-26.

Conditions:
HYDIN-related disorder. Also called: HYDIN-related condition.

Allele frequency attached by ClinVar (database versions not stated): gnomAD exomes 0.00037; ESP Exome Variant Server 0.00312; TOPMed 0.00434; 1000 Genomes Project 0.00539; 1000 Genomes Project 30x 0.00609.
gnomAD v4.1: 1,216 of 1,614,204 alleles (0.075%); highest among the groups gnomAD compares: African/African-American, 1.5%; 4 homozygotes.

Submissions (2):

Blueprint Genetics
Classification: Likely benign. Last evaluated: 2024-11-26. Review status: criteria provided, single submitter. Criteria: ACMG Guidelines, 2015. Collection method: clinical testing. Allele origin: germline.

PreventionGenetics, part of Exact Sciences
Classification: Likely benign for HYDIN-related condition. Last evaluated: 2019-04-11. Review status: no assertion criteria provided. Collection method: clinical testing. Allele origin: germline. Not counted in ClinVar's aggregate classification.
Comment: This variant is classified as likely benign based on ACMG/AMP sequence variant interpretation guidelines (Richards et al. 2015 PMID: 25741868, with internal and published modifications).

NM_001270974.2(HYDIN):c.15146T>C (p.Met5049Thr)

Gene: HYDIN (HYDIN axonemal central pair apparatus protein; minus strand). Cytogenetic location: 16q22.2.
Variant type: single nucleotide variant.
Coding change: c.15146T>C on transcript NM_001270974.2 (MANE Select); coding-DNA position 15146, T replaced by C.
Protein change: p.Met5049Thr; replaces methionine 5049 with threonine.
Molecular consequence: missense variant.
Genome position (GRCh38, 1-based): chr16:70,807,800, A>G on the plus strand (T>C on the coding strand, the complement: HYDIN is on the minus strand). VCF-style: chr16-70807800-A-G. GRCh37 (hg19) VCF-style: chr16-70841703-A-G.
Other names: short protein forms M5049T.
Identifiers: ClinVar variation 3037169 (VCV003037169.3), dbSNP rs116730273, ClinGen allele CA8148293.